The following is an entry in ClinVar:

ClinVar aggregate classification (germline): Uncertain significance (1 of 4 stars; one submission).

Conditions:
CHARGE syndrome (CHARGE). Also called: Coloboma, heart anomaly, choanal atresia, retardation, genital and ear anomalies; CHARGE association; Hall-Hittner syndrome; Hittner Hirsch Kreh syndrome; CHARGE ASSOCIATION--COLOBOMA, HEART ANOMALY, CHOANAL ATRESIA, RETARDATION, GENITAL AND EAR ANOMALIES. Identifiers: Orphanet 138, MedGen C0265354, MONDO:0008965.

Allele frequency attached by ClinVar (database versions not stated): gnomAD exomes below 0.00001.
gnomAD v4.1: 1 of 1,574,642 alleles (0.000064%); highest among the groups gnomAD compares: Non-Finnish European, 0.000086%; no homozygotes.

Submission:

Labcorp Genetics (formerly Invitae), Labcorp
Classification: Uncertain significance for CHARGE syndrome. Last evaluated: 2022-08-19. Review status: criteria provided, single submitter. Criteria: Invitae Variant Classification Sherloc (09022015). Collection method: clinical testing. Allele origin: germline.
Comment: In summary, the available evidence is currently insufficient to determine the role of this variant in disease. Therefore, it has been classified as a Variant of Uncertain Significance. Advanced modeling of protein sequence and biophysical properties (such as structural, functional, and spatial information, amino acid conservation, physicochemical variation, residue mobility, and thermodynamic stability) performed at Invitae indicates that this missense variant is not expected to disrupt CHD7 protein function. This variant has not been reported in the literature in individuals affected with CHD7-related conditions. This variant is not present in population databases (gnomAD no frequency). This sequence change replaces threonine, which is neutral and polar, with alanine, which is neutral and non-polar, at codon 1860 of the CHD7 protein (p.Thr1860Ala).

NM_017780.4(CHD7):c.5578A>G (p.Thr1860Ala)

Gene: CHD7 (chromodomain helicase DNA binding protein 7; plus strand). Cytogenetic location: 8q12.2.
Variant type: single nucleotide variant.
Coding change: c.5578A>G on transcript NM_017780.4 (MANE Select); coding-DNA position 5578, A replaced by G.
Protein change: p.Thr1860Ala; replaces threonine 1860 with alanine.
Molecular consequence: missense variant. On other transcripts: intron variant (1).
Genome position (GRCh38, 1-based): chr8:60,851,075, A>G. VCF-style: chr8-60851075-A-G. GRCh37 (hg19) VCF-style: chr8-61763634-A-G.
Other names: c.1717-11154A>G (NM_001316690.1); short protein forms T1860A.
Identifiers: ClinVar variation 1716868 (VCV001716868.5), dbSNP rs2150805822, ClinGen allele CA371322020.